The following is an entry in ClinVar:

NM_001205293.3(CACNA1E):c.6229C>T (p.Arg2077Cys)

Gene: CACNA1E (calcium voltage-gated channel subunit alpha1 E; plus strand). Cytogenetic location: 1q25.3.
Variant type: single nucleotide variant.
Coding change: c.6229C>T on transcript NM_001205293.3 (MANE Select); coding-DNA position 6229, C replaced by T.
Protein change: p.Arg2077Cys; replaces arginine 2077 with cysteine.
Molecular consequence: missense variant.
Genome position (GRCh38, 1-based): chr1:181,796,688, C>T. VCF-style: chr1-181796688-C-T. GRCh37 (hg19) VCF-style: chr1-181765824-C-T.
Other names: c.6100C>T, p.Arg2034Cys (NM_000721.4); c.6043C>T, p.Arg2015Cys (NM_001205294.2); c.6229C>T (NM_001205293.1); short protein forms R2015C, R2034C, R2077C.
Identifiers: ClinVar variation 1656336 (VCV001656336.10), dbSNP rs370905391, ClinGen allele CA1276360.

ClinVar aggregate classification (germline): Conflicting classifications of pathogenicity. Review status: criteria provided, conflicting classifications (1 of 4 stars). 3 submissions from 3 submitters: Uncertain significance (1); Likely benign (2). Last evaluated 2025-07-31.

Conditions:
Inborn genetic diseases. Identifiers: MedGen C0950123, MeSH D030342.

Allele frequency attached by ClinVar (database versions not stated): ExAC 0.00008; ESP Exome Variant Server 0.00008; 1000 Genomes Project 30x 0.00016; 1000 Genomes Project 0.00020.
gnomAD v4.1: 100 of 1,602,366 alleles (0.0062%); highest among the groups gnomAD compares: Middle Eastern, 0.033%; 1 homozygote.

Submissions (3):

Labcorp Genetics (formerly Invitae), Labcorp
Classification: Likely benign. Last evaluated: 2025-07-31. Review status: criteria provided, single submitter. Criteria: Invitae Variant Classification Sherloc (09022015). Collection method: clinical testing. Allele origin: germline.

Ambry Genetics
Classification: Likely benign for Inborn genetic diseases. Last evaluated: 2024-10-07. Review status: criteria provided, single submitter. Criteria: Ambry Variant Classification Scheme 2023. Collection method: clinical testing. Allele origin: germline.

GeneDx
Classification: Uncertain significance. Last evaluated: 2022-07-08. Review status: criteria provided, single submitter. Criteria: GeneDx Variant Classification Process June 2021. Collection method: clinical testing. Allele origin: germline. Affected: yes.
Comment: In silico analysis supports that this missense variant has a deleterious effect on protein structure/function; Has not been previously published as pathogenic or benign to our knowledge